The following is an entry in ClinVar:

NM_002335.4(LRP5):c.4247C>T (p.Ala1416Val)

Gene: LRP5 (LDL receptor related protein 5; plus strand). Cytogenetic location: 11q13.2.
Variant type: single nucleotide variant.
Coding change: c.4247C>T on transcript NM_002335.4 (MANE Select); coding-DNA position 4247, C replaced by T.
Protein change: p.Ala1416Val; replaces alanine 1416 with valine.
Molecular consequence: missense variant.
Genome position (GRCh38, 1-based): chr11:68,438,581, C>T. VCF-style: chr11-68438581-C-T. GRCh37 (hg19) VCF-style: chr11-68206049-C-T.
Other names: c.2504C>T, p.Ala835Val (NM_001291902.2); short protein forms A835V, A1416V.
Identifiers: ClinVar variation 859224 (VCV000859224.11), dbSNP rs376164225, ClinGen allele CA6150291.

ClinVar aggregate classification (germline): Conflicting classifications of pathogenicity. Review status: criteria provided, conflicting classifications (1 of 4 stars). 3 submissions from 3 submitters: Uncertain significance (2); Likely benign (1). Last evaluated 2026-08-28.

Conditions:
Polycystic liver disease 4 with or without kidney cysts. Identifiers: MedGen C4693479, MONDO:0044327, OMIM 617875.
Osteoporosis with pseudoglioma (OPPG). Also called: osteoporosis-pseudoglioma syndrome. Identifiers: Orphanet 2788, MedGen C0432252, MONDO:0009820, OMIM 259770.
Exudative vitreoretinopathy 4 (EVR4). Identifiers: Orphanet 891, MedGen C1866176, MONDO:0011151, OMIM 601813.
Autosomal dominant osteopetrosis 1 (OPTA1). Also called: OSTEOPETROSIS, AUTOSOMAL DOMINANT, TYPE I. Identifiers: Orphanet 2783, MedGen C1843330, MONDO:0011877, OMIM 607634.
Worth disease. Also called: ENDOSTEAL HYPEROSTOSIS, AUTOSOMAL DOMINANT; OSTEOSCLEROSIS, AUTOSOMAL DOMINANT; Autosomal dominant osteosclerosis, Worth type. Identifiers: Orphanet 2790, MedGen C0432273, MONDO:0007764, OMIM 144750.
Bone mineral density quantitative trait locus 1 (BMND1). Identifiers: MedGen C1866079, OMIM 601884.
LRP5-related disorder. Also called: LRP5-related condition.

Allele frequency attached by ClinVar (database versions not stated): gnomAD 0.00004 and 0.00019; ExAC 0.00005; gnomAD exomes 0.00005; ESP Exome Variant Server 0.00008; TOPMed 0.00026.
gnomAD v4.1: 105 of 1,613,936 alleles (0.0065%); highest among the groups gnomAD compares: Middle Eastern, 0.049%; 1 homozygote.

Submissions (3):

PreventionGenetics, part of Exact Sciences
Classification: Uncertain significance for LRP5-related condition. Last evaluated: 2026-08-28. Review status: criteria provided, single submitter. Criteria: ACMG Guidelines, 2015. Collection method: clinical testing. Allele origin: germline.
Comment: The LRP5 c.4247C>T variant is predicted to result in the amino acid substitution p.Ala1416Val. To our knowledge, this variant has been reported along with a second LRP5 variant in an individual with early-onset osteoporosis (Supplemental Data, Mancini et al. 2024. PubMed ID: 39316135). This variant is reported in 0.0086% of alleles in individuals of European (Non-Finnish) descent in gnomAD. At this time, the clinical significance of this variant is uncertain due to the absence of conclusive functional and genetic evidence.

Labcorp Genetics (formerly Invitae), Labcorp
Classification: Uncertain significance. Last evaluated: 2026-01-21. Review status: criteria provided, single submitter. Criteria: Invitae Variant Classification Sherloc (09022015). Collection method: clinical testing. Allele origin: germline.
Comment: This sequence change replaces alanine, which is neutral and non-polar, with valine, which is neutral and non-polar, at codon 1416 of the LRP5 protein (p.Ala1416Val). This variant is present in population databases (rs376164225, gnomAD 0.008%). This missense change has been observed in individual(s) with early-onset osteoporosis (PMID: 39316135). ClinVar contains an entry for this variant (Variation ID: 859224). Invitae Evidence Modeling of protein sequence and biophysical properties (such as structural, functional, and spatial information, amino acid conservation, physicochemical variation, residue mobility, and thermodynamic stability) indicates that this missense variant is not expected to disrupt LRP5 protein function with a negative predictive value of 95%. In summary, the available evidence is currently insufficient to determine the role of this variant in disease. Therefore, it has been classified as a Variant of Uncertain Significance.

Fulgent Genetics
Classification: Likely benign for Worth disease; Osteoporosis with pseudoglioma; Exudative vitreoretinopathy 4; Bone mineral density quantitative trait locus 1; Autosomal dominant osteopetrosis 1; Polycystic liver disease 4 with or without kidney cysts. Last evaluated: 2024-02-29. Review status: criteria provided, single submitter. Criteria: ACMG Guidelines, 2015. Collection method: clinical testing. Allele origin: germline.

Literature cited by the submitters: PubMed 39316135 (cited by Labcorp Genetics (formerly Invitae), Labcorp).